The following is an entry in ClinVar:

NM_022124.6(CDH23):c.1458C>G (p.Asp486Glu)

Gene: CDH23 (cadherin related 23; plus strand). Cytogenetic location: 10q22.1.
Variant type: single nucleotide variant.
Coding change: c.1458C>G on transcript NM_022124.6 (MANE Select); coding-DNA position 1458, C replaced by G.
Protein change: p.Asp486Glu; replaces aspartic acid 486 with glutamic acid.
Molecular consequence: missense variant.
Genome position (GRCh38, 1-based): chr10:71,675,120, C>G. VCF-style: chr10-71675120-C-G. GRCh37 (hg19) VCF-style: chr10-73434877-C-G.
Other names: c.1458C>G, p.Asp486Glu (NM_001171930.2, NM_001171931.2); short protein forms D486E.
Identifiers: ClinVar variation 2262431 (VCV002262431.4), dbSNP rs558084866, ClinGen allele CA5543848.
Genomic context (GRCh38, chr10:71,675,120, plus strand): 5'-TGAAGCCTCAGCTGGGCCTGGCAGTAATGACTTCTTGTTCTCGCTGTTGCAGGCAACTGA[C>G]AATGATGCAGGCACCTTTGGGGAAGTCAGCTACTTCTTCAGTGATGACCCTGACAGGTGA-3'
Protein context (NP_071407.4, residues 476-496): GTSVLTVLAT[Asp486Glu]NDAGTFGEVS

ClinVar aggregate classification (germline): Uncertain significance. Review status: criteria provided, multiple submitters, no conflicts (2 of 4 stars). 3 submissions from 3 submitters: Uncertain significance (3). Last evaluated 2025-06-27.

Conditions:
Inborn genetic diseases. Identifiers: MedGen C0950123, MeSH D030342.

Allele frequency attached by ClinVar (database versions not stated): ExAC 0.00001.
gnomAD v4.1: 12 of 1,613,840 alleles (0.00074%); highest among the groups gnomAD compares: Non-Finnish European, 0.001%; no homozygotes.

Submissions (3):

Labcorp Genetics (formerly Invitae), Labcorp
Classification: Uncertain significance. Last evaluated: 2025-06-27. Review status: criteria provided, single submitter. Criteria: Invitae Variant Classification Sherloc (09022015). Collection method: clinical testing. Allele origin: germline.
Comment: This sequence change replaces aspartic acid, which is acidic and polar, with glutamic acid, which is acidic and polar, at codon 486 of the CDH23 protein (p.Asp486Glu). This variant is present in population databases (rs558084866, gnomAD 0.007%). This variant has not been reported in the literature in individuals affected with CDH23-related conditions. ClinVar contains an entry for this variant (Variation ID: 2262431). Invitae Evidence Modeling of protein sequence and biophysical properties (such as structural, functional, and spatial information, amino acid conservation, physicochemical variation, residue mobility, and thermodynamic stability) has been performed for this missense variant. However, the output from this modeling did not meet the statistical confidence thresholds required to predict the impact of this variant on CDH23 protein function. In summary, the available evidence is currently insufficient to determine the role of this variant in disease. Therefore, it has been classified as a Variant of Uncertain Significance.

Women's Health and Genetics/Laboratory Corporation of America, LabCorp
Classification: Uncertain significance. Last evaluated: 2025-03-19. Review status: criteria provided, single submitter. Criteria: LabCorp Variant Classification Summary - May 2015. Collection method: clinical testing. Allele origin: germline.
Comment: Variant summary: CDH23 c.1458C>G (p.Asp486Glu) results in a conservative amino acid change in the encoded protein sequence. Three of four in-silico tools predict a damaging effect of the variant on protein function. The variant allele was found at a frequency of 8e-06 in 249222 control chromosomes (gnomAD). The available data on variant occurrences in the general population are insufficient to allow any conclusion about variant significance. To our knowledge, no occurrence of c.1458C>G in individuals affected with Usher Syndrome and no experimental evidence demonstrating its impact on protein function have been reported. ClinVar contains an entry for this variant (Variation ID: 2262431). Based on the evidence outlined above, the variant was classified as uncertain significance.

Ambry Genetics
Classification: Uncertain significance for Inborn genetic diseases. Last evaluated: 2021-11-29. Review status: criteria provided, single submitter. Criteria: Ambry Variant Classification Scheme 2023. Collection method: clinical testing. Allele origin: germline.